The following is an entry in ClinVar:

ClinVar aggregate classification (germline): Benign (0 of 4 stars; one submission).

Conditions:
ASMT-related disorder. Also called: ASMT-related condition.

Allele frequency attached by ClinVar (database versions not stated): ESP Exome Variant Server 0.09617; 1000 Genomes Project 30x 0.13111; 1000 Genomes Project 0.13351.

Submission:

PreventionGenetics, part of Exact Sciences
Classification: Benign for ASMT-related condition. Last evaluated: 2021-02-16. Review status: no assertion criteria provided. Collection method: clinical testing. Allele origin: germline.
Comment: This variant is classified as benign based on ACMG/AMP sequence variant interpretation guidelines (Richards et al. 2015 PMID: 25741868, with internal and published modifications).

NM_001171038.2(ASMT):c.861C>T (p.Asp287=)

Gene: ASMT (acetylserotonin O-methyltransferase; plus strand). Cytogenetic location: Yp11.2.
Variant type: single nucleotide variant.
Coding change: c.861C>T on transcript NM_001171038.2 (MANE Select); coding-DNA position 861, C replaced by T.
Protein change: p.Asp287=; no amino-acid change (aspartic acid 287 retained).
Molecular consequence: synonymous variant.
Genome position (GRCh38, 1-based): chrX:1,636,511, C>T. VCF-style: chrX-1636511-C-T. GRCh37 (hg19) VCF-style: chrX-1755404-C-T.
Other names: NM_004043.2:c.861C>T; c.636C>T, p.Asp212= (NM_001171039.1); c.777C>T, p.Asp259= (NM_001416525.1).
Identifiers: ClinVar variation 3036285 (VCV003036285.2), dbSNP rs4933063, ClinGen allele CA10335035.